The following is an entry in ClinVar:

NM_001182.5(ALDH7A1):c.1171G>T (p.Glu391Ter)

Gene: ALDH7A1 (aldehyde dehydrogenase 7 family member A1; minus strand). Cytogenetic location: 5q23.2.
Variant type: single nucleotide variant.
Coding change: c.1171G>T on transcript NM_001182.5 (MANE Select); coding-DNA position 1171, G replaced by T.
Protein change: p.Glu391Ter; replaces glutamic acid 391 with a stop codon.
Molecular consequence: nonsense. On other transcripts: intron variant (1).
Genome position (GRCh38, 1-based): chr5:126,554,316, C>A on the plus strand (G>T on the coding strand, the complement: ALDH7A1 is on the minus strand). VCF-style: chr5-126554316-C-A. GRCh37 (hg19) VCF-style: chr5-125890008-C-A.
Other names: c.1087G>T, p.Glu363Ter (NM_001201377.2); c.1009-2179G>T (NM_001202404.2); short protein forms E363*, E391*.
Identifiers: ClinVar variation 2441014 (VCV002441014.6), dbSNP rs1750104210, ClinGen allele CA360723792.
Genomic context (GRCh38, chr5:126,554,316, plus strand): 5'-CTGTCACAATTGATCTCAGAGCATCCCTTACCTTGCCCCCATAGACCACTGTGCCACCTT[C>A]TTTCTTTGCTTCTTCCACTGCTCCAAGAAACATGCTCACTGCCTGCTTGGTGTGGAGTGG-3'

ClinVar aggregate classification (germline): Pathogenic/Likely pathogenic. Review status: criteria provided, multiple submitters, no conflicts (2 of 4 stars). 2 submissions from 2 submitters: Pathogenic (1); Likely pathogenic (1). Last evaluated 2024-02-15.

Conditions:
Pyridoxine-dependent epilepsy (EPEO4). Also called: PYRIDOXINE DEPENDENCY WITH SEIZURES; EPILEPSY, EARLY-ONSET, 4, VITAMIN B6-DEPENDENT; Pyridoxine-Dependent Seizures; Pyridoxine-Dependent Epilepsy - ALDH7A1. Identifiers: Orphanet 3006, MedGen C1849508, MONDO:0009945, OMIM 266100. Disease mechanism: loss of function.

Allele frequency attached by ClinVar (database versions not stated): gnomAD exomes below 0.00001.
gnomAD v4.1: 6 of 1,614,166 alleles (0.00037%); highest among the groups gnomAD compares: Non-Finnish European, 0.00051%; no homozygotes.

Submissions (2):

Labcorp Genetics (formerly Invitae), Labcorp
Classification: Pathogenic for Pyridoxine-dependent epilepsy. Last evaluated: 2024-02-15. Review status: criteria provided, single submitter. Criteria: Invitae Variant Classification Sherloc (09022015). Collection method: clinical testing. Allele origin: germline.
Comment: This sequence change creates a premature translational stop signal (p.Glu391*) in the ALDH7A1 gene. It is expected to result in an absent or disrupted protein product. Loss-of-function variants in ALDH7A1 are known to be pathogenic (PMID: 16491085, 20554659). This variant is not present in population databases (gnomAD no frequency). This variant has not been reported in the literature in individuals affected with ALDH7A1-related conditions. ClinVar contains an entry for this variant (Variation ID: 2441014). For these reasons, this variant has been classified as Pathogenic.

Revvity Omics, Revvity
Classification: Likely pathogenic for Pyridoxine-dependent epilepsy. Last evaluated: 2022-01-21. Review status: criteria provided, single submitter. Criteria: ACMG Guidelines, 2015. Collection method: clinical testing. Allele origin: germline.

Literature cited by the submitters: PubMed 16491085 (cited by Labcorp Genetics (formerly Invitae), Labcorp); PubMed 20554659 (cited by Labcorp Genetics (formerly Invitae), Labcorp).